The following is an entry in ClinVar:

ClinVar aggregate classification (germline): Uncertain significance (1 of 4 stars; one submission).

Submission:

Labcorp Genetics (formerly Invitae), Labcorp
Classification: Uncertain significance. Last evaluated: 2022-04-28. Review status: criteria provided, single submitter. Criteria: Invitae Variant Classification Sherloc (09022015). Collection method: clinical testing. Allele origin: germline.
Comment: In summary, the available evidence is currently insufficient to determine the role of this variant in disease. Therefore, it has been classified as a Variant of Uncertain Significance. Algorithms developed to predict the effect of missense changes on protein structure and function (SIFT, PolyPhen-2, Align-GVGD) all suggest that this variant is likely to be tolerated. This variant has not been reported in the literature in individuals affected with MPDZ-related conditions. This variant is not present in population databases (gnomAD no frequency). This sequence change replaces cysteine, which is neutral and slightly polar, with tyrosine, which is neutral and polar, at codon 994 of the MPDZ protein (p.Cys994Tyr).

NM_001378778.1(MPDZ):c.2981G>A (p.Cys994Tyr)

Gene: MPDZ (multiple PDZ domain crumbs cell polarity complex component; minus strand). Cytogenetic location: 9p23.
Variant type: single nucleotide variant.
Coding change: c.2981G>A on transcript NM_001378778.1 (MANE Select); coding-DNA position 2981, G replaced by A.
Protein change: p.Cys994Tyr; replaces cysteine 994 with tyrosine.
Molecular consequence: missense variant.
Genome position (GRCh38, 1-based): chr9:13,175,826, C>T on the plus strand (G>A on the coding strand, the complement: MPDZ is on the minus strand). VCF-style: chr9-13175826-C-T. GRCh37 (hg19) VCF-style: chr9-13175825-C-T.
Other names: c.2981G>A, p.Cys994Tyr (NM_001261406.2, NM_001261407.2, NM_001330637.2 and 14 more transcripts); short protein forms C994Y.
Identifiers: ClinVar variation 2131490 (VCV002131490.4), dbSNP rs374056827, ClinGen allele CA372934814.
Genomic context (GRCh38, chr9:13,175,826, plus strand): 5'-CCTTTTGCTATATTAATAGTCCTTTCAAAAGATTCTTTAGATACATTTTGAAGCATGACA[C>T]ACTCAGCATTACAGGCCAGGGAGCTCTGTTCAAGCAGGTACTCAGAGCCCTTTAAGAAAG-3'
Protein context (NP_001365707.1, residues 984-1004): EQSSLACNAE[Cys994Tyr]VMLQNVSKES